The following is an entry in ClinVar:

ClinVar aggregate classification (germline): Uncertain significance (1 of 4 stars; one submission).

gnomAD v4.1: 2 of 1,607,760 alleles (0.00012%); highest among the groups gnomAD compares: Non-Finnish European, 0.00017%; no homozygotes.

Submission:

Labcorp Genetics (formerly Invitae), Labcorp
Classification: Uncertain significance. Last evaluated: 2025-05-05. Review status: criteria provided, single submitter. Criteria: Invitae Variant Classification Sherloc (09022015). Collection method: clinical testing. Allele origin: germline.
Comment: This sequence change replaces leucine, which is neutral and non-polar, with isoleucine, which is neutral and non-polar, at codon 417 of the PRPF3 protein (p.Leu417Ile). This variant is not present in population databases (gnomAD no frequency). This missense change has been observed in individual(s) with retinal disease (internal data). This missense change has been observed in at least one individual who was not affected with PRPF3-related conditions (internal data). ClinVar contains an entry for this variant (Variation ID: 1050939). Invitae Evidence Modeling of protein sequence and biophysical properties (such as structural, functional, and spatial information, amino acid conservation, physicochemical variation, residue mobility, and thermodynamic stability) has been performed for this missense variant. However, the output from this modeling did not meet the statistical confidence thresholds required to predict the impact of this variant on PRPF3 protein function. In summary, the available evidence is currently insufficient to determine the role of this variant in disease. Therefore, it has been classified as a Variant of Uncertain Significance.

NM_004698.4(PRPF3):c.1249C>A (p.Leu417Ile)

Gene: PRPF3 (pre-mRNA processing factor 3; plus strand). Cytogenetic location: 1q21.2.
Variant type: single nucleotide variant.
Coding change: c.1249C>A on transcript NM_004698.4 (MANE Select); coding-DNA position 1249, C replaced by A.
Protein change: p.Leu417Ile; replaces leucine 417 with isoleucine.
Molecular consequence: missense variant. On other transcripts: non-coding transcript variant (4).
Genome position (GRCh38, 1-based): chr1:150,340,444, C>A. VCF-style: chr1-150340444-C-A. GRCh37 (hg19) VCF-style: chr1-150312920-C-A.
Other names: c.844C>A, p.Leu282Ile (NM_001350529.1); short protein forms L282I, L417I.
Identifiers: ClinVar variation 1050939 (VCV001050939.9), dbSNP rs141281367, ClinGen allele CA342278465.